The following is an entry in ClinVar:

NM_000843.4(GRM6):c.2237T>A (p.Met746Lys)

Genes: GRM6 (glutamate metabotropic receptor 6; minus strand), ZNF454 (zinc finger protein 454; plus strand). Cytogenetic location: 5q35.3.
Variant type: single nucleotide variant.
Coding change: c.2237T>A on transcript NM_000843.4 (MANE Select); coding-DNA position 2237, T replaced by A.
Protein change: p.Met746Lys; replaces methionine 746 with lysine.
Molecular consequence: missense variant.
Genome position (GRCh38, 1-based): chr5:178,983,109, A>T on the plus strand (T>A on the coding strand, the complement: GRM6 is on the minus strand). VCF-style: chr5-178983109-A-T. GRCh37 (hg19) VCF-style: chr5-178410110-A-T.
Other names: short protein forms M746K.
Identifiers: ClinVar variation 1014884 (VCV001014884.9), dbSNP rs368879122, ClinGen allele CA3593591.
Genomic context (GRCh38, chr5:178,983,109, plus strand): 5'-GTGCACGTGACCATGAGCAGGAGGCTGTAGCCCAGGCAGCCGATGAGAGACAGATCCGAC[A>T]TGTCGCACTTGAGCACCCCTCTGGCCTGCTCGGGGTCCACCGTCCGCTGTTCCTCATAGT-3'
Protein context (NP_000834.2, residues 736-756): EQARGVLKCD[Met746Lys]SDLSLIGCLG

ClinVar aggregate classification (germline): Uncertain significance. Review status: criteria provided, multiple submitters, no conflicts (2 of 4 stars). 2 submissions from 2 submitters: Uncertain significance (2). Last evaluated 2024-09-09.

Allele frequency attached by ClinVar (database versions not stated): TOPMed 0.00001; 1000 Genomes Project 30x 0.00016; 1000 Genomes Project 0.00020.
gnomAD v4.1: 21 of 1,614,008 alleles (0.0013%); highest among the groups gnomAD compares: Admixed American, 0.0083%; no homozygotes.

Submissions (2):

Labcorp Genetics (formerly Invitae), Labcorp
Classification: Uncertain significance. Last evaluated: 2024-09-09. Review status: criteria provided, single submitter. Criteria: Invitae Variant Classification Sherloc (09022015). Collection method: clinical testing. Allele origin: germline.
Comment: This sequence change replaces methionine, which is neutral and non-polar, with lysine, which is basic and polar, at codon 746 of the GRM6 protein (p.Met746Lys). This variant is present in population databases (rs368879122, gnomAD 0.006%). This variant has not been reported in the literature in individuals affected with GRM6-related conditions. ClinVar contains an entry for this variant (Variation ID: 1014884). Invitae Evidence Modeling of protein sequence and biophysical properties (such as structural, functional, and spatial information, amino acid conservation, physicochemical variation, residue mobility, and thermodynamic stability) indicates that this missense variant is not expected to disrupt GRM6 protein function with a negative predictive value of 80%. In summary, the available evidence is currently insufficient to determine the role of this variant in disease. Therefore, it has been classified as a Variant of Uncertain Significance.

Blueprint Genetics
Classification: Uncertain significance. Last evaluated: 2023-08-03. Review status: criteria provided, single submitter. Criteria: ACMG Guidelines, 2015. Collection method: clinical testing. Allele origin: germline.